The following is an entry in ClinVar:

NM_001039141.3(TRIOBP):c.6101A>G (p.Glu2034Gly)

Gene: TRIOBP (TRIO and F-actin binding protein; plus strand). Cytogenetic location: 22q13.1.
Variant type: single nucleotide variant.
Coding change: c.6101A>G on transcript NM_001039141.3 (MANE Select); coding-DNA position 6101, A replaced by G.
Protein change: p.Glu2034Gly; replaces glutamic acid 2034 with glycine.
Molecular consequence: missense variant.
Genome position (GRCh38, 1-based): chr22:37,758,026, A>G. VCF-style: chr22-37758026-A-G. GRCh37 (hg19) VCF-style: chr22-38154033-A-G.
Other names: c.962A>G, p.Glu321Gly (NM_007032.5, NM_138632.2); short protein forms E2034G, E321G.
Identifiers: ClinVar variation 1714575 (VCV001714575.5), dbSNP rs1323340253, ClinGen allele CA411507671.

ClinVar aggregate classification (germline): Uncertain significance (1 of 4 stars; one submission).

Allele frequency attached by ClinVar (database versions not stated): gnomAD exomes below 0.00001; TOPMed below 0.00001.
gnomAD v4.1: 2 of 1,610,664 alleles (0.00012%); highest among the groups gnomAD compares: Non-Finnish European, 0.00017%; no homozygotes.

Submission:

Labcorp Genetics (formerly Invitae), Labcorp
Classification: Uncertain significance. Last evaluated: 2022-07-30. Review status: criteria provided, single submitter. Criteria: Invitae Variant Classification Sherloc (09022015). Collection method: clinical testing. Allele origin: germline.
Comment: Algorithms developed to predict the effect of missense changes on protein structure and function are either unavailable or do not agree on the potential impact of this missense change (SIFT: "Deleterious"; PolyPhen-2: "Probably Damaging"; Align-GVGD: "Class C0"). This sequence change replaces glutamic acid, which is acidic and polar, with glycine, which is neutral and non-polar, at codon 2034 of the TRIOBP protein (p.Glu2034Gly). This variant is not present in population databases (gnomAD no frequency). This variant has not been reported in the literature in individuals affected with TRIOBP-related conditions. In summary, the available evidence is currently insufficient to determine the role of this variant in disease. Therefore, it has been classified as a Variant of Uncertain Significance.